The following is an entry in ClinVar:

ClinVar aggregate classification (germline): Likely benign (1 of 4 stars; one submission).

Allele frequency attached by ClinVar (database versions not stated): gnomAD exomes below 0.00001; gnomAD 0.00001.

Submission:

CeGaT Center for Human Genetics Tuebingen
Classification: Likely benign. Last evaluated: 2022-08-01. Review status: criteria provided, single submitter. Criteria: CeGaT Center For Human Genetics Tuebingen Variant Classification Criteria Version 2. Collection method: clinical testing. Allele origin: germline. Affected: yes. Observed: 1 variant allele.
Comment: ITGAM: BP4, BP7

NM_000632.4(ITGAM):c.2625A>G (p.Ser875=)

Gene: ITGAM (integrin subunit alpha M; plus strand). Cytogenetic location: 16p11.2.
Variant type: single nucleotide variant.
Coding change: c.2625A>G on transcript NM_000632.4 (MANE Select); coding-DNA position 2625, A replaced by G.
Protein change: p.Ser875=; no amino-acid change (serine 875 retained).
Molecular consequence: synonymous variant.
Genome position (GRCh38, 1-based): chr16:31,325,619, A>G. VCF-style: chr16-31325619-A-G. GRCh37 (hg19) VCF-style: chr16-31336940-A-G.
Other names: c.2628A>G, p.Ser876= (NM_001145808.2).
Identifiers: ClinVar variation 2646474 (VCV002646474.24), dbSNP rs2144495411, ClinGen allele CA494719683.